The following is an entry in ClinVar:

NM_006901.4(MYO9A):c.6T>C (p.Asn2=)

Gene: MYO9A (myosin IXA; minus strand). Cytogenetic location: 15q23.
Variant type: single nucleotide variant.
Coding change: c.6T>C on transcript NM_006901.4 (MANE Select); coding-DNA position 6, T replaced by C.
Protein change: p.Asn2=; no amino-acid change (asparagine 2 retained).
Molecular consequence: synonymous variant.
Genome position (GRCh38, 1-based): chr15:72,046,558, A>G on the plus strand (T>C on the coding strand, the complement: MYO9A is on the minus strand). VCF-style: chr15-72046558-A-G. GRCh37 (hg19) VCF-style: chr15-72338899-A-G.
Identifiers: ClinVar variation 3257227 (VCV003257227.17).
Genomic context (GRCh38, chr15:72,046,558, plus strand): 5'-AGGATATATCCGTAATGTATGTTCATTATCTTCAAAGCGTCGTCTTCCTCCATCATTTAT[A>G]TTCATATTGGATCCTGTCCCATCAGCATGGATAGTATATGTTCAAAGTCGTGCAAACCAT-3'
Protein context (NP_008832.2, residues 1-12): M[Asn2=]INDGGRRRFE

ClinVar aggregate classification (germline): Likely benign (1 of 4 stars; one submission).

gnomAD v4.1: 3 of 1,593,032 alleles (0.00019%); highest among the groups gnomAD compares: Middle Eastern, 0.017%; no homozygotes.

Submission:

CeGaT Center for Human Genetics Tuebingen
Classification: Likely benign. Last evaluated: 2024-07-01. Review status: criteria provided, single submitter. Criteria: CeGaT Center For Human Genetics Tuebingen Variant Classification Criteria Version 2. Collection method: clinical testing. Allele origin: germline. Affected: yes. Observed: 1 variant allele.
Comment: MYO9A: BP4, BP7